The following is an entry in ClinVar:

NM_001754.5(RUNX1):c.865G>C (p.Gly289Arg)

Gene: RUNX1 (RUNX family transcription factor 1; minus strand). Cytogenetic location: 21q22.12.
Variant type: single nucleotide variant.
Coding change: c.865G>C on transcript NM_001754.5 (MANE Select); coding-DNA position 865, G replaced by C.
Protein change: p.Gly289Arg; replaces glycine 289 with arginine.
Molecular consequence: missense variant.
Genome position (GRCh38, 1-based): chr21:34,799,403, C>G on the plus strand (G>C on the coding strand, the complement: RUNX1 is on the minus strand). VCF-style: chr21-34799403-C-G. GRCh37 (hg19) VCF-style: chr21-36171700-C-G.
Other names: NM_001754.5(RUNX1):c.865G>C; p.Gly289Arg; c.784G>C, p.Gly262Arg (NM_001001890.3); short protein forms G289R, G262R.
Identifiers: ClinVar variation 532657 (VCV000532657.26), dbSNP rs1258447643, ClinGen allele CA410150105.

ClinVar aggregate classification (germline): Uncertain significance. Review status: reviewed by expert panel (3 of 4 stars). 4 submissions from 4 submitters: Uncertain significance (1). 3 of the submissions do not count toward it. Last evaluated 2024-10-29.

Conditions:
Inborn genetic diseases. Identifiers: MedGen C0950123, MeSH D030342.
Hereditary thrombocytopenia and hematologic cancer predisposition syndrome. Identifiers: Orphanet 71290, MedGen CN281654, MONDO:0011071.
Hereditary thrombocytopenia and hematological cancer predisposition syndrome associated with RUNX1. Also called: Familial Platelet Disorder with Propensity to Acute Myelogenous Leukemia; Familial thrombocytopenia with propensity to acute myelogenous leukemia; PLATELET DISORDER, ASPIRIN-LIKE; RUNX1 Familial Platelet Disorder with Associated Myeloid Malignancies. Identifiers: Orphanet 71290, MedGen C1832388, MeSH C563324, MONDO:0100083, OMIM 601399.

Allele frequency attached by ClinVar (database versions not stated): gnomAD exomes below 0.00001.
gnomAD v4.1: 7 of 1,614,064 alleles (0.00043%); highest among the groups gnomAD compares: Non-Finnish European, 0.00034%; no homozygotes.

Submissions (4):

ClinGen Myeloid Malignancy Variant Curation Expert Panel
Classification: Uncertain significance for Hereditary thrombocytopenia and hematologic cancer predisposition syndrome. Last evaluated: 2024-10-29. Review status: reviewed by expert panel. Criteria: ClinGen MyeloMalig ACMG Specifications v2. Collection method: curation. Allele origin: germline. Inheritance: Autosomal dominant inheritance.
Comment: NM_001754.5(RUNX1):c.865G>C (p.Gly289Arg) is a missense variant which has a REVEL score < 0.50 (0.268) and a SpliceAI score ≤ 0.20 (0.01) (BP4). In summary, the clinical significance of this variant is uncertain. ACMG/AMP criteria applied, as specified by the Myeloid Malignancy Variant Curation Expert Panel for RUNX1: BP4.

Ambry Genetics
Classification: Uncertain significance for Inborn genetic diseases. Last evaluated: 2026-07-07. Review status: criteria provided, single submitter. Criteria: Ambry Variant Classification Scheme 2023. Collection method: clinical testing. Allele origin: germline. Not counted in ClinVar's aggregate classification.
Comment: The p.G289R variant (also known as c.865G>C), located in coding exon 7 of the RUNX1 gene, results from a G to C substitution at nucleotide position 865. The glycine at codon 289 is replaced by arginine, an amino acid with dissimilar properties. This amino acid position is conserved. In addition, the in silico prediction for this alteration is inconclusive. Based on the available evidence, the clinical significance of this variant remains unclear.

CeGaT Center for Human Genetics Tuebingen
Classification: Uncertain significance. Last evaluated: 2024-08-01. Review status: criteria provided, single submitter. Criteria: CeGaT Center For Human Genetics Tuebingen Variant Classification Criteria Version 2. Collection method: clinical testing. Allele origin: germline. Affected: yes. Observed: 1 variant allele. Not counted in ClinVar's aggregate classification.
Comment: RUNX1: PM2

Labcorp Genetics (formerly Invitae), Labcorp
Classification: Uncertain significance for Hereditary thrombocytopenia and hematological cancer predisposition syndrome associated with RUNX1. Last evaluated: 2023-04-23. Review status: criteria provided, single submitter. Criteria: Invitae Variant Classification Sherloc (09022015). Collection method: clinical testing. Allele origin: germline. Not counted in ClinVar's aggregate classification.
Comment: This sequence change replaces glycine, which is neutral and non-polar, with arginine, which is basic and polar, at codon 289 of the RUNX1 protein (p.Gly289Arg). In summary, the available evidence is currently insufficient to determine the role of this variant in disease. Therefore, it has been classified as a Variant of Uncertain Significance. Advanced modeling of protein sequence and biophysical properties (such as structural, functional, and spatial information, amino acid conservation, physicochemical variation, residue mobility, and thermodynamic stability) performed at Invitae indicates that this missense variant is not expected to disrupt RUNX1 protein function. ClinVar contains an entry for this variant (Variation ID: 532657). This variant has not been reported in the literature in individuals affected with RUNX1-related conditions. This variant is present in population databases (no rsID available, gnomAD 0.004%).